The following is an entry in ClinVar:

ClinVar aggregate classification (germline): Benign/Likely benign. Review status: criteria provided, multiple submitters, no conflicts (2 of 4 stars). 3 submissions from 3 submitters: Benign (2); Likely benign (1). Last evaluated 2026-02-03.

Allele frequency attached by ClinVar (database versions not stated): 1000 Genomes Project 30x 0.01640; gnomAD 0.02613 and 0.02611; 1000 Genomes Project 0.01657; ESP Exome Variant Server 0.02287; gnomAD exomes 0.03615 and 0.02698; TOPMed 0.02447; ExAC 0.02579.
gnomAD v4.1: 56,871 of 1,611,744 alleles (3.5%); highest among the groups gnomAD compares: Middle Eastern, 5.4%; 1,230 homozygotes.

Submissions (3):

Labcorp Genetics (formerly Invitae), Labcorp
Classification: Benign. Last evaluated: 2026-02-03. Review status: criteria provided, single submitter. Criteria: Invitae Variant Classification Sherloc (09022015). Collection method: clinical testing. Allele origin: germline.

GeneDx
Classification: Likely benign. Last evaluated: 2018-07-06. Review status: criteria provided, single submitter. Criteria: GeneDx Variant Classification Process June 2021. Collection method: clinical testing. Allele origin: germline. Affected: yes.
Comment: See Variant Classification Assertion Criteria.

Breakthrough Genomics
Classification: Benign. Review status: criteria provided, single submitter. Criteria: ACMG Guidelines, 2015. Collection method: not provided. Allele origin: germline. Inheritance: Autosomal recessive inheritance. Affected: yes.

NM_016069.11(PAM16):c.88+12T>C

Genes: CORO7-PAM16 (CORO7-PAM16 readthrough; minus strand), PAM16 (presequence translocase associated motor 16; minus strand). Cytogenetic location: 16p13.3.
Variant type: single nucleotide variant.
Coding change: c.88+12T>C on transcript NM_016069.11 (MANE Select); 12 bases into the intron after coding-DNA position 88, T replaced by C.
Molecular consequence: intron variant.
Genome position (GRCh38, 1-based): chr16:4,343,195, A>G on the plus strand (T>C on the coding strand, the complement: PAM16 is on the minus strand). VCF-style: chr16-4343195-A-G. GRCh37 (hg19) VCF-style: chr16-4393196-A-G.
Other names: c.2857+12T>C (NM_001201479.2).
Identifiers: ClinVar variation 1599032 (VCV001599032.10), dbSNP rs72766573, ClinGen allele CA7873484.